The following is an entry in ClinVar:

NM_003999.3(OSMR):c.1494C>T (p.Asp498=)

Gene: OSMR (oncostatin M receptor; plus strand). Cytogenetic location: 5p13.1.
Variant type: single nucleotide variant.
Coding change: c.1494C>T on transcript NM_003999.3 (MANE Select); coding-DNA position 1494, C replaced by T.
Protein change: p.Asp498=; no amino-acid change (aspartic acid 498 retained).
Molecular consequence: synonymous variant.
Genome position (GRCh38, 1-based): chr5:38,918,971, C>T. VCF-style: chr5-38918971-C-T. GRCh37 (hg19) VCF-style: chr5-38919073-C-T.
Other names: c.1494C>T, p.Asp498= (NM_001323505.2, NM_001323507.2); c.1497C>T, p.Asp499= (NM_001323506.2).
Identifiers: ClinVar variation 2655437 (VCV002655437.24), dbSNP rs2546567614, ClinGen allele CA443947369.

ClinVar aggregate classification (germline): Likely benign (1 of 4 stars; one submission).

gnomAD v4.1: 1 of 1,614,154 alleles (0.000062%); highest among the groups gnomAD compares: Non-Finnish European, 0.000085%; no homozygotes.

Submission:

CeGaT Center for Human Genetics Tuebingen
Classification: Likely benign. Last evaluated: 2022-10-01. Review status: criteria provided, single submitter. Criteria: CeGaT Center For Human Genetics Tuebingen Variant Classification Criteria Version 2. Collection method: clinical testing. Allele origin: germline. Affected: yes. Observed: 1 variant allele.
Comment: OSMR: PM2:Supporting, BP4, BP7